The following is an entry in ClinVar:

NM_004369.4(COL6A3):c.973G>A (p.Ala325Thr)

Gene: COL6A3 (collagen type VI alpha 3 chain; minus strand). Cytogenetic location: 2q37.3.
Variant type: single nucleotide variant.
Coding change: c.973G>A on transcript NM_004369.4 (MANE Select); coding-DNA position 973, G replaced by A.
Protein change: p.Ala325Thr; replaces alanine 325 with threonine.
Molecular consequence: missense variant. On other transcripts: intron variant (2).
Genome position (GRCh38, 1-based): chr2:237,387,921, C>T on the plus strand (G>A on the coding strand, the complement: COL6A3 is on the minus strand). VCF-style: chr2-237387921-C-T. GRCh37 (hg19) VCF-style: chr2-238296564-C-T.
Other names: c.355G>A, p.Ala119Thr (NM_057165.5, NM_057167.4); c.92-6422G>A (NM_057166.5, NM_057164.5); short protein forms A325T, A119T.
Identifiers: ClinVar variation 434817 (VCV000434817.15), dbSNP rs905662421, ClinGen allele CA67835912.

ClinVar aggregate classification (germline): Uncertain significance. Review status: criteria provided, multiple submitters, no conflicts (2 of 4 stars). 3 submissions from 3 submitters: Uncertain significance (3). Last evaluated 2025-02-20.

Conditions:
Bethlem myopathy 1A. Also called: Bethlem myopathy 1; MYOPATHY, BENIGN CONGENITAL, WITH CONTRACTURES; Bethlem Muscular Dystrophy. Identifiers: Orphanet 610, MedGen CN029274, MONDO:0024530, OMIM 158810.

Allele frequency attached by ClinVar (database versions not stated): gnomAD exomes 0.00001; gnomAD 0.00002; TOPMed 0.00003.
gnomAD v4.1: 12 of 1,614,022 alleles (0.00074%); highest among the groups gnomAD compares: African/African-American, 0.0013%; no homozygotes.

Submissions (3):

Greenwood Genetic Center Diagnostic Laboratories, Greenwood Genetic Center
Classification: Uncertain significance. Last evaluated: 2025-02-20. Review status: criteria provided, single submitter. Criteria: ACMG Guidelines, 2015. Collection method: clinical testing. Allele origin: germline.
Comment: PM2, PP3

Labcorp Genetics (formerly Invitae), Labcorp
Classification: Uncertain significance for Bethlem myopathy 1A. Last evaluated: 2022-07-30. Review status: criteria provided, single submitter. Criteria: Invitae Variant Classification Sherloc (09022015). Collection method: clinical testing. Allele origin: germline.
Comment: In summary, the available evidence is currently insufficient to determine the role of this variant in disease. Therefore, it has been classified as a Variant of Uncertain Significance. Advanced modeling of protein sequence and biophysical properties (such as structural, functional, and spatial information, amino acid conservation, physicochemical variation, residue mobility, and thermodynamic stability) performed at Invitae indicates that this missense variant is expected to disrupt COL6A3 protein function. ClinVar contains an entry for this variant (Variation ID: 434817). This variant has not been reported in the literature in individuals affected with COL6A3-related conditions. This variant is not present in population databases (gnomAD no frequency). This sequence change replaces alanine, which is neutral and non-polar, with threonine, which is neutral and polar, at codon 325 of the COL6A3 protein (p.Ala325Thr).

Genetic Services Laboratory, University of Chicago
Classification: Uncertain significance. Last evaluated: 2016-10-10. Review status: criteria provided, single submitter. Criteria: ACMG Guidelines, 2015. Collection method: clinical testing. Allele origin: germline. Affected: no.